The following is an entry in ClinVar:

NM_000541.5(SAG):c.1012A>C (p.Thr338Pro)

Gene: SAG (S-antigen visual arrestin; plus strand). Cytogenetic location: 2q37.1.
Variant type: single nucleotide variant.
Coding change: c.1012A>C on transcript NM_000541.5 (MANE Select); coding-DNA position 1012, A replaced by C.
Protein change: p.Thr338Pro; replaces threonine 338 with proline.
Molecular consequence: missense variant.
Genome position (GRCh38, 1-based): chr2:233,338,743, A>C. VCF-style: chr2-233338743-A-C. GRCh37 (hg19) VCF-style: chr2-234247389-A-C.
Other names: short protein forms T338P.
Identifiers: ClinVar variation 1055266 (VCV001055266.10), dbSNP rs371670298, ClinGen allele CA351049014.
Genomic context (GRCh38, chr2:233,338,743, plus strand): 5'-GAGGGCATAGACCGGACCGTCCTGGGAATCCTGGTGTCTTACCAGATCAAGGTGAAGCTC[A>C]CAGTGTCAGGGTAAGTGTCCCGGCACCAACCCTCGGGCTGCTCTGTCCTGGTCTTAGATG-3'
Protein context (NP_000532.2, residues 328-348): LVSYQIKVKL[Thr338Pro]VSGFLGELTS

ClinVar aggregate classification (germline): Uncertain significance. Review status: criteria provided, multiple submitters, no conflicts (2 of 4 stars). 2 submissions from 2 submitters: Uncertain significance (2). Last evaluated 2020-07-22.

Submissions (2):

Labcorp Genetics (formerly Invitae), Labcorp
Classification: Uncertain significance. Last evaluated: 2020-07-22. Review status: criteria provided, single submitter. Criteria: Invitae Variant Classification Sherloc (09022015). Collection method: clinical testing. Allele origin: germline.
Comment: In summary, the available evidence is currently insufficient to determine the role of this variant in disease. Therefore, it has been classified as a Variant of Uncertain Significance. Algorithms developed to predict the effect of missense changes on protein structure and function are either unavailable or do not agree on the potential impact of this missense change (SIFT: "Deleterious"; PolyPhen-2: "Probably Damaging"; Align-GVGD: "Class C0"). This variant has not been reported in the literature in individuals with SAG-related conditions. This variant is not present in population databases (ExAC no frequency). This sequence change replaces threonine with proline at codon 338 of the SAG protein (p.Thr338Pro). The threonine residue is moderately conserved and there is a small physicochemical difference between threonine and proline.

Blueprint Genetics
Classification: Uncertain significance. Last evaluated: 2020-01-10. Review status: criteria provided, single submitter. Criteria: ACMG Guidelines, 2015. Collection method: clinical testing. Allele origin: germline.